The following is an entry in ClinVar:

ClinVar aggregate classification (germline): Uncertain significance (1 of 4 stars; one submission).

Allele frequency attached by ClinVar (database versions not stated): TOPMed 0.00001; gnomAD 0.00003 and 0.00004; gnomAD exomes 0.00004 and 0.00005; ExAC 0.00006.

Submission:

Labcorp Genetics (formerly Invitae), Labcorp
Classification: Uncertain significance. Last evaluated: 2022-07-12. Review status: criteria provided, single submitter. Criteria: Invitae Variant Classification Sherloc (09022015). Collection method: clinical testing. Allele origin: germline.
Comment: In summary, the available evidence is currently insufficient to determine the role of this variant in disease. Therefore, it has been classified as a Variant of Uncertain Significance. Algorithms developed to predict the effect of missense changes on protein structure and function are either unavailable or do not agree on the potential impact of this missense change (SIFT: "Deleterious"; PolyPhen-2: "Probably Damaging"; Align-GVGD: "Class C0"). ClinVar contains an entry for this variant (Variation ID: 1393195). This variant has not been reported in the literature in individuals affected with GPR179-related conditions. This variant is present in population databases (rs752961925, gnomAD 0.01%). This sequence change replaces tyrosine, which is neutral and polar, with asparagine, which is neutral and polar, at codon 686 of the GPR179 protein (p.Tyr686Asn).

NM_001004334.4(GPR179):c.2056T>A (p.Tyr686Asn)

Gene: GPR179 (G protein-coupled receptor 179; minus strand). Cytogenetic location: 17q12.
Variant type: single nucleotide variant.
Coding change: c.2056T>A on transcript NM_001004334.4 (MANE Select); coding-DNA position 2056, T replaced by A.
Protein change: p.Tyr686Asn; replaces tyrosine 686 with asparagine.
Molecular consequence: missense variant.
Genome position (GRCh38, 1-based): chr17:38,331,513, A>T on the plus strand (T>A on the coding strand, the complement: GPR179 is on the minus strand). VCF-style: chr17-38331513-A-T. GRCh37 (hg19) VCF-style: chr17-36487396-A-T.
Other names: short protein forms Y686N.
Identifiers: ClinVar variation 1393195 (VCV001393195.6), dbSNP rs752961925, ClinGen allele CA290106153.